The following is an entry in ClinVar:

ClinVar aggregate classification (germline): Likely pathogenic (1 of 4 stars; one submission).

Conditions:
Fanconi anemia (FA). Also called: Fanconi's anemia. Identifiers: Orphanet 84, MedGen C0015625, MeSH D005199, MONDO:0019391.

gnomAD v4.1: 1 of 1,606,454 alleles (0.000062%); highest among the groups gnomAD compares: Non-Finnish European, 0.000085%; no homozygotes.

Submission:

Labcorp Genetics (formerly Invitae), Labcorp
Classification: Likely pathogenic for Fanconi anemia. Last evaluated: 2023-12-19. Review status: criteria provided, single submitter. Criteria: Invitae Variant Classification Sherloc (09022015). Collection method: clinical testing. Allele origin: germline.
Comment: This sequence change affects a donor splice site in intron 6 of the FANCL gene. It is expected to disrupt RNA splicing. Variants that disrupt the donor or acceptor splice site typically lead to a loss of protein function (PMID: 16199547), and loss-of-function variants in FANCL are known to be pathogenic (PMID: 19405097, 23613520). This variant is not present in population databases (gnomAD no frequency). This variant has not been reported in the literature in individuals affected with FANCL-related conditions. Algorithms developed to predict the effect of sequence changes on RNA splicing suggest that this variant may disrupt the consensus splice site. In summary, the currently available evidence indicates that the variant is pathogenic, but additional data are needed to prove that conclusively. Therefore, this variant has been classified as Likely Pathogenic.

Literature cited by the submitters: PubMed 16199547; PubMed 19405097; PubMed 23613520.

NM_018062.4(FANCL):c.471+1G>A

Gene: FANCL (FA complementation group L; minus strand). Cytogenetic location: 2p16.1.
Variant type: single nucleotide variant.
Coding change: c.471+1G>A on transcript NM_018062.4 (MANE Select); the canonical splice donor site of the intron after coding-DNA position 471, G replaced by A.
Molecular consequence: splice donor variant.
Genome position (GRCh38, 1-based): chr2:58,204,129, C>T on the plus strand (G>A on the coding strand, the complement: FANCL is on the minus strand). VCF-style: chr2-58204129-C-T. GRCh37 (hg19) VCF-style: chr2-58431264-C-T.
Other names: c.471+1G>A (NM_001410792.1, NM_001374615.1, NM_001114636.2).
Identifiers: ClinVar variation 2729111 (VCV002729111.3), dbSNP rs2467183164, ClinGen allele CA347034009.
Genomic context (GRCh38, chr2:58,204,129, plus strand): 5'-TCACAGAGTTCATTTCACAAAGTATTTTCTGATCACAATAACAGTTTAACGAGGCACATA[C>T]CTTTGCCTTCAACTTGAGAGTGATTAAATGCTCTCTACCAGAAGCATCTTCTGCTTTTAA-3'